The following is an entry in ClinVar:

ClinVar aggregate classification (germline): Benign/Likely benign. Review status: criteria provided, multiple submitters, no conflicts (2 of 4 stars). 7 submissions from 7 submitters: Benign (2); Likely benign (2). 3 of the submissions do not count toward it. Last evaluated 2026-01-19.

Conditions:
Early-infantile DEE. Also called: Ohtahara syndrome; Early infantile epileptic encephalopathy; Early infantile epileptic encephalopathy with suppression bursts. Identifiers: Orphanet 1934, MedGen C0393706, MONDO:0800491.
SCN8A-related disorder.
Inborn genetic diseases. Identifiers: MedGen C0950123, MeSH D030342.

Allele frequency attached by ClinVar (database versions not stated): gnomAD exomes 0.00010 and 0.00015; ExAC 0.00020; gnomAD 0.00050 and 0.00051; TOPMed 0.00058; ESP Exome Variant Server 0.00059; 1000 Genomes Project 30x 0.00109; 1000 Genomes Project 0.00120.
gnomAD v4.1: 228 of 1,607,656 alleles (0.014%); highest among the groups gnomAD compares: African/African-American, 0.14%; no homozygotes.

Submissions (7):

Labcorp Genetics (formerly Invitae), Labcorp
Classification: Benign for Early-infantile DEE. Last evaluated: 2026-01-19. Review status: criteria provided, single submitter. Criteria: Invitae Variant Classification Sherloc (09022015). Collection method: clinical testing. Allele origin: germline.

Blueprint Genetics
Classification: Likely benign. Last evaluated: 2024-06-11. Review status: criteria provided, single submitter. Criteria: ACMG Guidelines, 2015. Collection method: clinical testing. Allele origin: germline.

Ambry Genetics
Classification: Likely benign for Inborn genetic diseases. Last evaluated: 2016-03-18. Review status: criteria provided, single submitter. Criteria: Ambry Variant Classification Scheme 2023. Collection method: clinical testing. Allele origin: germline.

GeneDx
Classification: Benign. Last evaluated: 2014-06-17. Review status: criteria provided, single submitter. Criteria: GeneDx Variant Classification (06012015). Collection method: clinical testing. Allele origin: germline. Affected: yes.
Comment: This variant is considered likely benign or benign based on one or more of the following criteria: it is a conservative change, it occurs at a poorly conserved position in the protein, it is predicted to be benign by multiple in silico algorithms, and/or has population frequency not consistent with disease.

PreventionGenetics, part of Exact Sciences
Classification: Likely benign for SCN8A-related condition. Last evaluated: 2021-04-13. Review status: no assertion criteria provided. Collection method: clinical testing. Allele origin: germline. Not counted in ClinVar's aggregate classification.
Comment: This variant is classified as likely benign based on ACMG/AMP sequence variant interpretation guidelines (Richards et al. 2015 PMID: 25741868, with internal and published modifications).

Clinical Genetics DNA and cytogenetics Diagnostics Lab, Erasmus MC, Erasmus Medical Center
Classification: Likely benign. Review status: no assertion criteria provided. Collection method: clinical testing. Allele origin: germline. Affected: yes. Study: VKGL Data-share Consensus. Not counted in ClinVar's aggregate classification.

Genome Diagnostics Laboratory, University Medical Center Utrecht
Classification: Likely benign. Review status: no assertion criteria provided. Collection method: clinical testing. Allele origin: germline. Affected: yes. Study: VKGL Data-share Consensus. Not counted in ClinVar's aggregate classification.

NM_001330260.2(SCN8A):c.1470A>G (p.Glu490=)

Gene: SCN8A (sodium voltage-gated channel alpha subunit 8; plus strand). Cytogenetic location: 12q13.13.
Variant type: single nucleotide variant.
Coding change: c.1470A>G on transcript NM_001330260.2 (MANE Select); coding-DNA position 1470, A replaced by G.
Protein change: p.Glu490=; no amino-acid change (glutamic acid 490 retained).
Molecular consequence: synonymous variant.
Genome position (GRCh38, 1-based): chr12:51,706,550, A>G. VCF-style: chr12-51706550-A-G. GRCh37 (hg19) VCF-style: chr12-52100334-A-G.
Other names: p.E490E:GAA>GAG; c.1470A>G, p.Glu490= (NM_001177984.3, NM_001369788.1, NM_014191.4).
Identifiers: ClinVar variation 207096 (VCV000207096.22), dbSNP rs187115247, ClinGen allele CA318231.